The following is an entry in ClinVar:

NM_198252.3(GSN):c.-10+4580C>T

Genes: GSN (gelsolin; plus strand), LOC126860753 (MED14-independent group 3 enhancer GRCh37_chr9:124048350-124049549; plus strand). Cytogenetic location: 9q33.2.
Variant type: single nucleotide variant.
Coding change: c.-10+4580C>T on transcript NM_198252.3 (MANE Select); 4580 bases into the intron after 10 bases upstream of the start codon, C replaced by T.
Molecular consequence: intron variant. On other transcripts: 5 prime UTR variant (2).
Genome position (GRCh38, 1-based): chr9:121,286,142, C>T. VCF-style: chr9-121286142-C-T. GRCh37 (hg19) VCF-style: chr9-124048420-C-T.
Other names: c.-2C>T (NM_001258029.2); c.-91C>T (NM_001353069.2); c.-10+4580C>T (NM_001353054.1, NM_001353053.1, NM_001353060.2 and 2 more transcripts); c.-48+4580C>T (NM_001353064.2, NM_001353066.2, NM_001353076.2 and 1 more transcripts); c.-2+4580C>T (NM_001353058.2, NM_001353057.2); c.-39+3592C>T (NM_001353073.2, NM_001353068.2); c.-39+4189C>T (NM_001353065.2); c.-10+4189C>T (NM_001127664.2); and 13 more.
Identifiers: ClinVar variation 4979336 (VCV004979336.1).

ClinVar aggregate classification (germline): Likely benign (1 of 4 stars; one submission).

Conditions:
GSN-related disorder. Also called: GSN-related condition.

gnomAD v4.1: 22 of 1,535,488 alleles (0.0014%); highest among the groups gnomAD compares: East Asian, 0.012%; no homozygotes.

Submission:

PreventionGenetics, part of Exact Sciences
Classification: Likely benign for GSN-related condition. Last evaluated: 2025-05-29. Review status: criteria provided, single submitter. Criteria: ACMG Guidelines, 2015. Collection method: clinical testing. Allele origin: germline.
Comment: This variant is classified as likely benign based on ACMG/AMP sequence variant interpretation guidelines (Richards et al. 2015 PMID: 25741868, with internal and published modifications).